The following is an entry in ClinVar:

NM_000138.5(FBN1):c.285G>A (p.Ser95=)

Gene: FBN1 (fibrillin 1; minus strand). Cytogenetic location: 15q21.1.
Variant type: single nucleotide variant.
Coding change: c.285G>A on transcript NM_000138.5 (MANE Select); coding-DNA position 285, G replaced by A.
Protein change: p.Ser95=; no amino-acid change (serine 95 retained).
Molecular consequence: synonymous variant.
Genome position (GRCh38, 1-based): chr15:48,610,789, C>T on the plus strand (G>A on the coding strand, the complement: FBN1 is on the minus strand). VCF-style: chr15-48610789-C-T. GRCh37 (hg19) VCF-style: chr15-48902986-C-T.
Identifiers: ClinVar variation 807253 (VCV000807253.17), dbSNP rs745596276, ClinGen allele CA049128.

ClinVar aggregate classification (germline): Likely benign. Review status: criteria provided, multiple submitters, no conflicts (2 of 4 stars). 3 submissions from 3 submitters: Likely benign (3). Last evaluated 2025-03-13.

Conditions:
Marfan syndrome (MFS). Also called: FBN1-Related Marfan Syndrome; Marfan's syndrome; MARFAN SYNDROME, TYPE I; Marfan syndrome type 1; Marfan syndrome, classic. Identifiers: Orphanet 284963, Orphanet 558, MedGen C0024796, MONDO:0007947, OMIM 154700.
Familial thoracic aortic aneurysm and aortic dissection (TAAD). Also called: Thoracic aortic aneurysms and dissections. Identifiers: Orphanet 91387, MedGen C4707243, MONDO:0019625.

Allele frequency attached by ClinVar (database versions not stated): gnomAD 0.00001; gnomAD exomes below 0.00001; TOPMed below 0.00001; ExAC 0.00001.
gnomAD v4.1: 10 of 1,613,948 alleles (0.00062%); highest among the groups gnomAD compares: South Asian, 0.0033%; no homozygotes.

Submissions (3):

Labcorp Genetics (formerly Invitae), Labcorp
Classification: Likely benign for Marfan syndrome; Familial thoracic aortic aneurysm and aortic dissection. Last evaluated: 2025-03-13. Review status: criteria provided, single submitter. Criteria: Invitae Variant Classification Sherloc (09022015). Collection method: clinical testing. Allele origin: germline.

All of Us Research Program, National Institutes of Health
Classification: Likely benign for Marfan syndrome. Last evaluated: 2023-10-02. Review status: criteria provided, single submitter. Criteria: ACMG Guidelines, 2015. Collection method: clinical testing. Allele origin: germline. Inheritance: Autosomal dominant inheritance. Observed: 2 variant alleles, 2 heterozygotes.
Comment: This study involves interpretation of variants in research participants for the purpose of population health screening. Participant phenotype was not available at the time of variant classification. Additional details can be found in publication PMID: 35346344, PMCID: PMC8962531

Color Diagnostics, LLC DBA Color Health
Classification: Likely benign for Familial thoracic aortic aneurysm and aortic dissection. Last evaluated: 2019-10-30. Review status: criteria provided, single submitter. Criteria: ACMG Guidelines, 2015. Collection method: clinical testing. Allele origin: germline.